The following is an entry in ClinVar:

ClinVar aggregate classification (germline): Pathogenic/Likely pathogenic. Review status: criteria provided, multiple submitters, no conflicts (2 of 4 stars). 2 submissions from 2 submitters: Pathogenic (1); Likely pathogenic (1). Last evaluated 2026-03-02.

Conditions:
Long QT syndrome (LQTS). Identifiers: MedGen C0023976, MeSH D008133, MONDO:0002442. Disease mechanism: loss of function. Inheritance: Various modes of inheritance.

Submissions (2):

GeneDx
Classification: Likely pathogenic. Last evaluated: 2026-03-02. Review status: criteria provided, single submitter. Criteria: GeneDx Variant Classification Process June 2021. Collection method: clinical testing. Allele origin: germline.
Comment: Observed in twin siblings with ataxia, hypertrophic cardiomyopathy, and learning disabilities in published literature (PMID: 40546054); Not observed at significant frequency in large population cohorts (gnomAD); In silico analysis supports that this missense variant has a deleterious effect on protein structure/function; This variant is associated with the following publications: (PMID: 40546054)

Labcorp Genetics (formerly Invitae), Labcorp
Classification: Pathogenic for Long QT syndrome. Last evaluated: 2025-08-18. Review status: criteria provided, single submitter. Criteria: Invitae Variant Classification Sherloc (09022015). Collection method: clinical testing. Allele origin: germline.
Comment: This sequence change replaces glycine, which is neutral and non-polar, with arginine, which is basic and polar, at codon 1378 of the CACNA1C protein (p.Gly1378Arg). This variant is not present in population databases (gnomAD no frequency). This missense change has been observed in individual(s) with CACNA1C-related conditions (internal data). In at least one individual the variant was observed to be de novo. Invitae Evidence Modeling of protein sequence and biophysical properties (such as structural, functional, and spatial information, amino acid conservation, physicochemical variation, residue mobility, and thermodynamic stability) indicates that this missense variant is expected to disrupt CACNA1C protein function with a positive predictive value of 95%. For these reasons, this variant has been classified as Pathogenic.

NM_000719.7(CACNA1C):c.4132G>A (p.Gly1378Arg)

Gene: CACNA1C (calcium voltage-gated channel subunit alpha1 C; plus strand). Cytogenetic location: 12p13.33.
Variant type: single nucleotide variant.
Coding change: c.4132G>A on transcript NM_000719.7 (MANE Select); coding-DNA position 4132, G replaced by A.
Protein change: p.Gly1378Arg; replaces glycine 1378 with arginine.
Molecular consequence: missense variant.
Genome position (GRCh38, 1-based): chr12:2,653,892, G>A. VCF-style: chr12-2653892-G-A. GRCh37 (hg19) VCF-style: chr12-2763058-G-A.
Other names: c.4276G>A, p.Gly1426Arg (NM_001129827.2, NM_199460.4); c.4198G>A, p.Gly1400Arg (NM_001129829.2); c.4132G>A, p.Gly1378Arg (NM_001129830.3, NM_001129833.2, NM_001129834.2 and 7 more transcripts); c.4216G>A, p.Gly1406Arg (NM_001129831.2); c.4192G>A, p.Gly1398Arg (NM_001129832.2); c.4183G>A, p.Gly1395Arg (NM_001129836.2); c.4099G>A, p.Gly1367Arg (NM_001129837.2, NM_001129838.2, NM_001129846.2 and 1 more transcripts); c.4093G>A, p.Gly1365Arg (NM_001129839.2); and 1 more; short protein forms G1365R, G1367R, G1375R, G1378R, G1395R, G1398R, G1400R, G1406R.
Identifiers: ClinVar variation 4689845 (VCV004689845.3).
Genomic context (GRCh38, chr12:2,653,892, plus strand): 5'-CAGGCCCTGCCCTATGTGGCCCTCCTGATCGTGATGCTGTTCTTCATCTACGCGGTGATC[G>A]GGATGCAGGTAGGGAGGCTCCCACCACGGGGCTCCTGGCCTCCCGCTCTGTCTCTCCCCA-3'
Protein context (NP_000710.5, residues 1368-1388): VMLFFIYAVI[Gly1378Arg]MQVFGKIALN